The following is an entry in ClinVar:

ClinVar aggregate classification (germline): Conflicting classifications of pathogenicity. Review status: criteria provided, conflicting classifications (1 of 4 stars). 13 submissions from 13 submitters: Uncertain significance (7); Likely benign (4). 2 of the submissions do not count toward it. Last evaluated 2025-09-15.

Conditions:
Hereditary nonpolyposis colorectal neoplasms. Identifiers: MedGen C0009405, MeSH D003123.
Lynch syndrome. Identifiers: Orphanet 144, MedGen C4552100, MONDO:0005835. Disease mechanism: loss of function.
Hereditary cancer-predisposing syndrome. Also called: Tumor predisposition; Hereditary Cancer Syndrome; Neoplastic Syndromes, Hereditary; Hereditary neoplastic syndrome. Identifiers: Orphanet 140162, MedGen C0027672, MeSH D009386, MONDO:0015356.
Lynch syndrome 4 (LYNCH4). Also called: Colorectal cancer, hereditary nonpolyposis, type 4; Hereditary non-polyposis colorectal cancer, type 4. Identifiers: Orphanet 144, MedGen C1838333, MONDO:0013699, OMIM 614337. Disease mechanism: loss of function.

Allele frequency attached by ClinVar (database versions not stated): gnomAD 0.00001; TOPMed 0.00002; ExAC 0.00018.

Submissions (13):

Quest Diagnostics Nichols Institute San Juan Capistrano
Classification: Uncertain significance. Last evaluated: 2025-09-15. Review status: criteria provided, single submitter. Criteria: Quest Diagnostics criteria. Collection method: clinical testing. Allele origin: unknown.
Comment: The PMS2 c.1760G>A (p.Ser587Asn) variant has been reported in the published literature in individuals with breast cancer (PMID: 35449176 (2022), 33471991 (2021), see also LOVD, 32885271 (2021)), stomach adenocarcinoma (PMID: 26689913 (2015)), and esophageal squamous cell carcinoma (PMID: 30833958 (2019)). This variant has also been identified in reportedly unaffected individuals (PMID: 33471991 (2021), see also LOVD, 22703879 (2012)). The frequency of this variant in the general population (Genome Aggregation Database) is uninformative in the assessment of its pathogenicity. Analysis of this variant using bioinformatics tools for the prediction of the effect of amino acid changes on protein structure and function yielded predictions that this variant is benign. Based on the available information, we are unable to determine the clinical significance of this variant.

Molecular Pathology, Peter Maccallum Cancer Centre
Classification: Uncertain significance for Lynch syndrome 4. Last evaluated: 2025-06-05. Review status: criteria provided, single submitter. Criteria: ACMG Guidelines, 2015. Collection method: clinical testing. Allele origin: germline. Inheritance: Autosomal dominant inheritance.

Blueprint Genetics
Classification: Likely benign. Last evaluated: 2024-11-18. Review status: criteria provided, single submitter. Criteria: ACMG Guidelines, 2015. Collection method: clinical testing. Allele origin: germline.

Color Diagnostics, LLC DBA Color Health
Classification: Likely benign for Hereditary cancer-predisposing syndrome. Last evaluated: 2024-10-17. Review status: criteria provided, single submitter. Criteria: ACMG Guidelines, 2015. Collection method: clinical testing. Allele origin: germline.

Labcorp Genetics (formerly Invitae), Labcorp
Classification: Uncertain significance for Hereditary nonpolyposis colorectal neoplasms. Last evaluated: 2024-02-23. Review status: criteria provided, single submitter. Criteria: Invitae Variant Classification Sherloc (09022015). Collection method: clinical testing. Allele origin: germline.
Comment: This sequence change replaces serine, which is neutral and polar, with asparagine, which is neutral and polar, at codon 587 of the PMS2 protein (p.Ser587Asn). The frequency data for this variant in the population databases is considered unreliable, as metrics indicate poor data quality at this position in the gnomAD database. This missense change has been observed in individual(s) with stomach adenocarcinoma (PMID: 26689913). ClinVar contains an entry for this variant (Variation ID: 480298). Advanced modeling of protein sequence and biophysical properties (such as structural, functional, and spatial information, amino acid conservation, physicochemical variation, residue mobility, and thermodynamic stability) performed at Invitae indicates that this missense variant is not expected to disrupt PMS2 protein function with a negative predictive value of 80%. In summary, the available evidence is currently insufficient to determine the role of this variant in disease. Therefore, it has been classified as a Variant of Uncertain Significance.

Women's Health and Genetics/Laboratory Corporation of America, LabCorp
Classification: Uncertain significance. Last evaluated: 2023-11-17. Review status: criteria provided, single submitter. Criteria: LabCorp Variant Classification Summary - May 2015. Collection method: clinical testing. Allele origin: germline.
Comment: Variant summary: PMS2 c.1760G>A (p.Ser587Asn) results in a conservative amino acid change in the encoded protein sequence. Five of five in-silico tools predict a benign effect of the variant on protein function. The variant allele was found at a frequency of 4e-06 in 251242 control chromosomes (gnomAD). The available data on variant occurrences in the general population are insufficient to allow any conclusion about variant significance. c.1760G>A has been reported in the literature in an individual affected with esophageal squamous cell carcinoma, however this individual also carried another missense variant in PMS2 (Deng_2019). In a recent large study evaluating breast cancer cases and controls in the Breast Cancer Association Consortium (BCAC), the variant was reported in 3/60466 cases, but was also found in 2/53461 controls (Dorling_2021 through LOVD). The variant was also identified as a secondary finding in 3 of 572 ClinSeq participants who had atherosclerosis, but were not selected for personal or family history of cancer (Johnston_2012). These reports do not provide unequivocal conclusions about association of the variant with Lynch Syndrome. To our knowledge, no experimental evidence demonstrating an impact on protein function has been reported. The following publications have been ascertained in the context of this evaluation (PMID: 30833958, 33471991, 22703879, 27600092). Eight submitters have cited clinical-significance assessments for this variant to ClinVar after 2014. Multiple submitters reported the variant with conflicting assessments (LB, n=3; VUS, n=5). Based on the evidence outlined above, the variant was classified as uncertain significance.

Myriad Genetics, Inc.
Classification: Uncertain significance for Lynch syndrome 4. Last evaluated: 2023-04-03. Review status: criteria provided, single submitter. Criteria: Myriad Autosomal Dominant, Autosomal Recessive and X-Linked Classification Criteria (2023). Collection method: clinical testing. Allele origin: unknown.
Comment: This variant is classified as a variant of uncertain significance as there is insufficient evidence to determine its impact on protein function and/or cancer risk.

Institute for Biomarker Research, Medical Diagnostic Laboratories, L.L.C.
Classification: Uncertain significance for Hereditary cancer-predisposing syndrome. Last evaluated: 2023-03-09. Review status: criteria provided, single submitter. Criteria: ACMG Guidelines, 2015. Collection method: clinical testing. Allele origin: germline.

Sema4
Classification: Likely benign for Hereditary cancer-predisposing syndrome. Last evaluated: 2021-06-25. Review status: criteria provided, single submitter. Criteria: Sema4 Curation Guidelines. Collection method: curation. Allele origin: germline.

Genetic Services Laboratory, University of Chicago
Classification: Uncertain significance. Last evaluated: 2019-04-02. Review status: criteria provided, single submitter. Criteria: ACMG Guidelines, 2015. Collection method: clinical testing. Allele origin: germline. Affected: no.

Ambry Genetics
Classification: Likely benign for Hereditary cancer-predisposing syndrome. Last evaluated: 2018-08-24. Review status: criteria provided, single submitter. Criteria: Ambry Variant Classification Scheme 2023. Collection method: clinical testing. Allele origin: germline.

Counsyl
Classification: Uncertain significance for Lynch syndrome 4. Last evaluated: 2017-07-06. Review status: no assertion criteria provided. Collection method: clinical testing. Allele origin: unknown. Not counted in ClinVar's aggregate classification.

Department of Pathology and Laboratory Medicine, Sinai Health System
Classification: Uncertain significance for Lynch syndrome. Review status: no assertion criteria provided. Collection method: clinical testing. Allele origin: unknown. Affected: yes. Observed: 1 variant allele. Study: The Canadian Open Genetics Repository (COGR). Not counted in ClinVar's aggregate classification.
Comment: The PMS2 p.Ser587Asn variant was identified in 3 of 1144 proband chromosomes (frequency: 0.003) in a screen of individuals with atherosclerosis for cancer-susceptibility genes; personal or family history of cancer was not required (Johnston 2012). The variant was also identified in dSNP (rs762100304) as "With Likely benign, Uncertain significance allele" and Clinvar (classified as likely benign by Ambry Genetics; and as uncertain significance by Invitae and Counsyl). The variant was identified in control databases in 1 of 30982 chromosomes at a frequency of 0.00003 (Genome Aggregation Database Feb 27, 2017); observed in the Ashkenazi Jewish population in 1 of 302 chromosomes (freq: 0.003), while it was not observed in the European, African, Other, Latino, East Asian, European Finnish, or South Asian populations. The p.Ser587 residue is not conserved in mammals and computational analyses (PolyPhen-2, SIFT, AlignGVGD, BLOSUM, MutationTaster) do not suggest a high likelihood of impact to the protein; however, this information is not predictive enough to rule out pathogenicity. The variant occurs outside of the splicing consensus sequence and in silico or computational prediction software programs (SpliceSiteFinder, MaxEntScan, NNSPLICE, GeneSplicer) do not predict a difference in splicing. In summary, based on the above information, the clinical significance of this variant cannot be determined with certainty at this time. This variant is classified as a variant of uncertain significance.

Literature cited by the submitters: PubMed 35449176 (cited by Quest Diagnostics Nichols Institute San Juan Capistrano); PubMed 33471991 (cited by Quest Diagnostics Nichols Institute San Juan Capistrano and Women's Health and Genetics/Laboratory Corporation of America, LabCorp); PubMed 30833958 (cited by Quest Diagnostics Nichols Institute San Juan Capistrano and Women's Health and Genetics/Laboratory Corporation of America, LabCorp); PubMed 26689913 (cited by 3 submitters); PubMed 32885271 (cited by Quest Diagnostics Nichols Institute San Juan Capistrano); PubMed 27600092 (cited by Women's Health and Genetics/Laboratory Corporation of America, LabCorp).

NM_000535.7(PMS2):c.1760G>A (p.Ser587Asn)

Gene: PMS2 (PMS1 homolog 2, mismatch repair system component; minus strand). Cytogenetic location: 7p22.1.
Variant type: single nucleotide variant.
Coding change: c.1760G>A on transcript NM_000535.7 (MANE Select); coding-DNA position 1760, G replaced by A.
Protein change: p.Ser587Asn; replaces serine 587 with asparagine.
Molecular consequence: missense variant. On other transcripts: non-coding transcript variant (1).
Genome position (GRCh38, 1-based): chr7:5,987,005, C>T on the plus strand (G>A on the coding strand, the complement: PMS2 is on the minus strand). VCF-style: chr7-5987005-C-T. GRCh37 (hg19) VCF-style: chr7-6026636-C-T.
Other names: c.1355G>A, p.Ser452Asn (NM_001322003.2, NM_001322004.2, NM_001322005.2 and 1 more transcripts); c.1604G>A, p.Ser535Asn (NM_001322006.2); c.1442G>A, p.Ser481Asn (NM_001322007.2, NM_001322008.2); c.1199G>A, p.Ser400Asn (NM_001322010.2); c.827G>A, p.Ser276Asn (NM_001322011.2, NM_001322012.2); c.1187G>A, p.Ser396Asn (NM_001322013.2); c.1760G>A, p.Ser587Asn (NM_001322014.2); c.1451G>A, p.Ser484Asn (NM_001322015.2); short protein forms S587N, S276N, S484N, S396N, S452N, S400N, S481N, S535N.
Identifiers: ClinVar variation 480298 (VCV000480298.26), dbSNP rs762100304, ClinGen allele CA045499.